The following is an entry in ClinVar:

NM_144997.7(FLCN):c.1084C>T (p.Arg362Cys)

Gene: FLCN (folliculin; minus strand). Cytogenetic location: 17p11.2.
Variant type: single nucleotide variant.
Coding change: c.1084C>T on transcript NM_144997.7 (MANE Select); coding-DNA position 1084, C replaced by T.
Protein change: p.Arg362Cys; replaces arginine 362 with cysteine.
Molecular consequence: missense variant.
Genome position (GRCh38, 1-based): chr17:17,217,161, G>A on the plus strand (C>T on the coding strand, the complement: FLCN is on the minus strand). VCF-style: chr17-17217161-G-A. GRCh37 (hg19) VCF-style: chr17-17120475-G-A.
Other names: c.1138C>T, p.Arg380Cys (NM_001353229.2); c.1084C>T, p.Arg362Cys (NM_001353230.2, NM_001353231.2); c.1084C>T (NM_144997.6, LRG_325t1); short protein forms R362C, R380C.
Identifiers: ClinVar variation 485585 (VCV000485585.26), dbSNP rs557336321, ClinGen allele CA8416141.

ClinVar aggregate classification (germline): Conflicting classifications of pathogenicity. Review status: criteria provided, conflicting classifications (1 of 4 stars). 11 submissions from 9 submitters: Uncertain significance (10); Benign (1). Last evaluated 2026-06-09.

Conditions:
Colorectal cancer. Also called: Colorectal cancer, somatic; Malignant Colorectal Neoplasm. Identifiers: MedGen C0346629, MONDO:0005575, OMIM 114500.
Familial spontaneous pneumothorax (PSP). Identifiers: Orphanet 2903, MedGen C1868193, MONDO:0008259, OMIM 173600.
Birt-Hogg-Dube syndrome 1 (BHD1). Also called: FIBROFOLLICULOMAS WITH TRICHODISCOMAS AND ACROCHORDONS. Identifiers: Orphanet 122, MedGen CN375946, MONDO:0800445, OMIM 135150.
Nonpapillary renal cell carcinoma. Identifiers: Orphanet 422526, MedGen CN074294, MONDO:0007763, OMIM 144700.
FLCN-related disorder. Also called: FLCN-related condition.
Hereditary cancer-predisposing syndrome. Also called: Neoplastic Syndromes, Hereditary; Hereditary Cancer Syndrome; Tumor predisposition; Hereditary neoplastic syndrome. Identifiers: Orphanet 140162, MedGen C0027672, MeSH D009386, MONDO:0015356.
Birt-Hogg-Dube syndrome. Also called: Birt Hogg Dubé syndrome. Identifiers: Orphanet 122, MedGen C0346010, MONDO:0800444.

Allele frequency attached by ClinVar (database versions not stated): gnomAD exomes 0.00001; ExAC 0.00002; gnomAD 0.00002; TOPMed 0.00006.

Submissions (11):

PreventionGenetics, part of Exact Sciences
Classification: Uncertain significance for FLCN-related condition. Last evaluated: 2026-06-09. Review status: criteria provided, single submitter. Criteria: ACMG Guidelines, 2015. Collection method: clinical testing. Allele origin: germline.
Comment: The FLCN c.1084C>T variant is predicted to result in the amino acid substitution p.Arg362Cys. This variant has been reported in an individual with breast cancer (Chen et al. 2020. PubMed ID: 32091409). In silico structural analysis and experimental studies using a yeast based assay suggest this variant may impact protein function (Clausen et al. 2020. PubMed ID: 33137092). This variant is reported in 0.0027% of alleles in individuals of European (Non-Finnish) descent in gnomAD and is interpreted as uncertain significance in ClinVar (Variation ID: 485585). At this time, the clinical significance of this variant is uncertain due to the absence of conclusive functional and genetic evidence.

Labcorp Genetics (formerly Invitae), Labcorp
Classification: Uncertain significance for Birt-Hogg-Dube syndrome. Last evaluated: 2026-01-06. Review status: criteria provided, single submitter. Criteria: Invitae Variant Classification Sherloc (09022015). Collection method: clinical testing. Allele origin: germline.
Comment: This sequence change replaces arginine, which is basic and polar, with cysteine, which is neutral and slightly polar, at codon 362 of the FLCN protein (p.Arg362Cys). This variant is present in population databases (rs557336321, gnomAD 0.003%). This missense change has been observed in individual(s) with renal cell carcinoma (PMID: 35441217). ClinVar contains an entry for this variant (Variation ID: 485585). Invitae Evidence Modeling of protein sequence and biophysical properties (such as structural, functional, and spatial information, amino acid conservation, physicochemical variation, residue mobility, and thermodynamic stability) indicates that this missense variant is not expected to disrupt FLCN protein function with a negative predictive value of 80%. Experimental studies have shown that this missense change affects FLCN function (PMID: 21538689, 33137092). In summary, the available evidence is currently insufficient to determine the role of this variant in disease. Therefore, it has been classified as a Variant of Uncertain Significance.

Center for Genomic Medicine, Rigshospitalet, Copenhagen University Hospital
Classification: Uncertain significance. Last evaluated: 2025-03-04. Review status: criteria provided, single submitter. Criteria: ACMG Guidelines, 2015. Collection method: clinical testing. Allele origin: germline.

Quest Diagnostics Nichols Institute San Juan Capistrano
Classification: Uncertain significance. Last evaluated: 2024-11-08. Review status: criteria provided, single submitter. Criteria: Quest Diagnostics criteria. Collection method: clinical testing. Allele origin: unknown.
Comment: The FLCN c.1084C>T (p.Arg362Cys) variant has been reported in the published literature in an individual with renal cell carcinoma (PMID: 35441217 (2022)). Functional studies demonstrated that this variant was damaging to protein function (PMID: 33137092 (2020), 21538689 (2011)). The frequency of this variant in the general population, 0.000027 (3/113102 chromosomes (Genome Aggregation Database)), is uninformative in the assessment of its pathogenicity. Analysis of this variant using bioinformatics tools for the prediction of the effect of amino acid changes on protein structure and function yielded conflicting predictions that this variant is benign or damaging. Based on the available information, we are unable to determine the clinical significance of this variant.

Fulgent Genetics
Classification: Uncertain significance for Colorectal cancer; Birt-Hogg-Dube syndrome 1; Nonpapillary renal cell carcinoma; Familial spontaneous pneumothorax. Last evaluated: 2024-03-27. Review status: criteria provided, single submitter. Criteria: ACMG Guidelines, 2015. Collection method: clinical testing. Allele origin: germline.

Ambry Genetics
Classification: Benign for Hereditary cancer-predisposing syndrome. Last evaluated: 2024-02-23. Review status: criteria provided, single submitter. Criteria: Ambry Variant Classification Scheme 2023. Collection method: clinical testing. Allele origin: germline.

GeneDx
Classification: Uncertain significance. Last evaluated: 2024-01-21. Review status: criteria provided, single submitter. Criteria: GeneDx Variant Classification Process June 2021. Collection method: clinical testing. Allele origin: germline. Affected: yes.
Comment: Not observed at significant frequency in large population cohorts (gnomAD); In silico analysis supports that this missense variant has a deleterious effect on protein structure/function; Observed in an individual with clear cell renal carcinoma in published literature (PMID: 35441217); Published functional studies suggest a damaging impact on protein levels and stability (PMID: 33137092); This variant is associated with the following publications: (PMID: 21538689, 24755471, 17028174, 35441217, 33137092, 32091409)

Baylor Genetics
Classification: Uncertain significance for Birt-Hogg-Dube syndrome 1. Last evaluated: 2023-08-23. Review status: criteria provided, single submitter. Criteria: ACMG Guidelines, 2015. Collection method: clinical testing. Allele origin: unknown.

Baylor Genetics
Classification: Uncertain significance for Birt-Hogg-Dube syndrome 1. Last evaluated: 2021-05-25. Review status: criteria provided, single submitter. Criteria: ACMG Guidelines, 2015. Collection method: clinical testing. Allele origin: maternal. Affected: yes. Study: CSER-TexasKidsCanSeq.
Comment: This variant was determined to be of uncertain significance according to ACMG Guidelines, 2015 [PMID:25741868].

Illumina Laboratory Services, Illumina
Classification: Uncertain significance for Familial spontaneous pneumothorax. Last evaluated: 2017-04-28. Review status: criteria provided, single submitter. Criteria: ICSL Variant Classification Criteria 13 December 2019. Collection method: clinical testing. Allele origin: germline.

Illumina Laboratory Services, Illumina
Classification: Uncertain significance for Birt-Hogg-Dube syndrome 1. Last evaluated: 2017-04-28. Review status: criteria provided, single submitter. Criteria: ICSL Variant Classification Criteria 13 December 2019. Collection method: clinical testing. Allele origin: germline.

Literature cited by the submitters: PubMed 35441217 (cited by 4 submitters); PubMed 21538689 (cited by 4 submitters); PubMed 33137092 (cited by 4 submitters); PubMed 32091409 (cited by Ambry Genetics).